The following is an entry in ClinVar:

ClinVar aggregate classification (germline): Uncertain significance (1 of 4 stars; one submission).

Submission:

Labcorp Genetics (formerly Invitae), Labcorp
Classification: Uncertain significance. Last evaluated: 2024-06-13. Review status: criteria provided, single submitter. Criteria: Invitae Variant Classification Sherloc (09022015). Collection method: clinical testing. Allele origin: germline.
Comment: This sequence change replaces proline, which is neutral and non-polar, with alanine, which is neutral and non-polar, at codon 229 of the BCL11B protein (p.Pro229Ala). Information on the frequency of this variant in the gnomAD database is not available, as this variant may be reported differently in the database. This variant has not been reported in the literature in individuals affected with BCL11B-related conditions. Experimental studies and prediction algorithms are not available or were not evaluated, and the functional significance of this variant is currently unknown. In summary, the available evidence is currently insufficient to determine the role of this variant in disease. Therefore, it has been classified as a Variant of Uncertain Significance.

NM_138576.4(BCL11B):c.684_685delinsAG (p.Pro229Ala)

Gene: BCL11B (BCL11 transcription factor B; minus strand). Cytogenetic location: 14q32.2.
Variant type: Indel.
Coding change: c.684_685delinsAG on transcript NM_138576.4 (MANE Select); coding-DNA positions 684 to 685, GC replaced by AG.
Protein change: p.Pro229Ala; replaces proline 229 with alanine.
Molecular consequence: missense variant.
Genome position (GRCh38, 1-based): chr14:99,176,151-99,176,152, GC replaced by CT on the plus strand (GC replaced by AG on the coding strand, the reverse complement: BCL11B is on the minus strand). VCF-style: chr14-99176151-GC-CT. GRCh37 (hg19) VCF-style: chr14-99642488-GC-CT.
Other names: c.681_682delinsAG, p.Pro228Ala (NM_001282237.2); c.468_469delinsAG, p.Pro157Ala (NM_001282238.2); c.471_472delinsAG, p.Pro158Ala (NM_022898.3); short protein forms P157A, P158A, P228A, P229A.
Identifiers: ClinVar variation 2874283 (VCV002874283.3), dbSNP rs2503653555, ClinGen allele CA2739278962.